The following is an entry in ClinVar:

ClinVar aggregate classification (germline): Likely pathogenic (1 of 4 stars; one submission).

Conditions:
Congenital lipoid adrenal hyperplasia due to STAR deficency. Also called: ADRENAL HYPERPLASIA I; Congenital Lipoid Adrenal Hyperplasia; Lipoid adrenal hyperplasia; Cholesterol monooxygenase (side-chain cleaving) deficiency. Identifiers: Orphanet 418, Orphanet 90790, MedGen C0342474, MONDO:0008725, OMIM 201710.

Submission:

Natera, Inc.
Classification: Likely pathogenic for Congenital lipoid adrenal hyperplasia. Last evaluated: 2024-05-17. Review status: criteria provided, single submitter. Criteria: Natera Variant Classification Schema (03/2026). Collection method: clinical testing. Allele origin: germline.
Comment: The c.815_819delinsCCAA variant in STAR is a frameshift variant predicted to elongate the protein beyond the termination codon. This variant is expected to result in nonsense mediated decay, truncation, or a dysfunctional protein product. This variant is rare in the general population with a frequency below the threshold expected for the associated phenotype(s). Given the available evidence, this variant is classified as Likely Pathogenic.

NM_000349.3(STAR):c.815_819delinsCCAA (p.Arg272fs)

Gene: STAR (steroidogenic acute regulatory protein; minus strand). Cytogenetic location: 8p11.23.
Variant type: Indel.
Coding change: c.815_819delinsCCAA on transcript NM_000349.3 (MANE Select); coding-DNA positions 815 to 819, GCAAG replaced by CCAA.
Protein change: p.Arg272fs; shifts the reading frame from arginine 272.
Molecular consequence: frameshift variant.
Genome position (GRCh38, 1-based): chr8:38,144,312-38,144,316, CTTGC replaced by TTGG on the plus strand (GCAAG replaced by CCAA on the coding strand, the reverse complement: STAR is on the minus strand). VCF-style: chr8-38144312-CTTGC-TTGG. GRCh37 (hg19) VCF-style: chr8-38001830-CTTGC-TTGG.
Other names: short protein forms R272fs.
Identifiers: ClinVar variation 4818230 (VCV004818230.1).